The following is an entry in ClinVar:

NM_001290043.2(TAP2):c.1224C>A (p.Ser408Arg)

Gene: TAP2 (transporter 2, ATP binding cassette subfamily B member; minus strand). Cytogenetic location: 6p21.32.
Variant type: single nucleotide variant.
Coding change: c.1224C>A on transcript NM_001290043.2 (MANE Select); coding-DNA position 1224, C replaced by A.
Protein change: p.Ser408Arg; replaces serine 408 with arginine.
Molecular consequence: missense variant.
Genome position (GRCh38, 1-based): chr6:32,832,381, G>T on the plus strand (C>A on the coding strand, the complement: TAP2 is on the minus strand). VCF-style: chr6-32832381-G-T. GRCh37 (hg19) VCF-style: chr6-32800158-G-T.
Other names: c.1224C>A, p.Ser408Arg (NM_000544.3, NM_018833.3); short protein forms S408R.
Identifiers: ClinVar variation 1020218 (VCV001020218.10), dbSNP rs1769136561, ClinGen allele CA363582716.
Genomic context (GRCh38, chr6:32,832,381, plus strand): 5'-CTTCTCGCTCACCTGCACATAGCTCCCCACGCTCTCCTGGTAGATCATAAAGGAAAGCAG[G>T]CTGCCCTGGGTGAGCTCCCCATCCTGCATCTGCTGCAGCCCACAGCTCAGCATCAGCATC-3'
Protein context (NP_001276972.1, residues 398-418): QMQDGELTQG[Ser408Arg]LLSFMIYQES

ClinVar aggregate classification (germline): Uncertain significance (1 of 4 stars; one submission).

Conditions:
MHC class I deficiency. Identifiers: Orphanet 34592, MedGen C6024714, MONDO:0011476.

Submission:

Labcorp Genetics (formerly Invitae), Labcorp
Classification: Uncertain significance for MHC class I deficiency 1. Last evaluated: 2022-07-12. Review status: criteria provided, single submitter. Criteria: Invitae Variant Classification Sherloc (09022015). Collection method: clinical testing. Allele origin: germline.
Comment: In summary, the available evidence is currently insufficient to determine the role of this variant in disease. Therefore, it has been classified as a Variant of Uncertain Significance. Algorithms developed to predict the effect of missense changes on protein structure and function are either unavailable or do not agree on the potential impact of this missense change (SIFT: "Deleterious"; PolyPhen-2: "Not Available"; Align-GVGD: "Class C0"). ClinVar contains an entry for this variant (Variation ID: 1020218). This variant has not been reported in the literature in individuals affected with TAP2-related conditions. This variant is not present in population databases (gnomAD no frequency). This sequence change replaces serine, which is neutral and polar, with arginine, which is basic and polar, at codon 408 of the TAP2 protein (p.Ser408Arg).